The following is an entry in ClinVar:

ClinVar aggregate classification (germline): Benign/Likely benign. Review status: criteria provided, multiple submitters, no conflicts (2 of 4 stars). 2 submissions from 2 submitters: Benign (1); Likely benign (1). Last evaluated 2025-01-23.

Conditions:
Hereditary nonpolyposis colorectal neoplasms. Identifiers: MedGen C0009405, MeSH D003123.
Lynch syndrome 4 (LYNCH4). Also called: Hereditary non-polyposis colorectal cancer, type 4; Colorectal cancer, hereditary nonpolyposis, type 4. Identifiers: Orphanet 144, MedGen C1838333, MONDO:0013699, OMIM 614337. Disease mechanism: loss of function.

Submissions (2):

Myriad Genetics, Inc.
Classification: Benign for Lynch syndrome 4. Last evaluated: 2025-01-23. Review status: criteria provided, single submitter. Criteria: Myriad Autosomal Dominant, Autosomal Recessive and X-Linked Classification Criteria (2023). Collection method: clinical testing. Allele origin: unknown.
Comment: This variant is considered benign. This variant is a silent/synonymous amino acid change and it is not expected to impact splicing.

Labcorp Genetics (formerly Invitae), Labcorp
Classification: Likely benign for Hereditary nonpolyposis colorectal neoplasms. Last evaluated: 2022-06-27. Review status: criteria provided, single submitter. Criteria: Invitae Variant Classification Sherloc (09022015). Collection method: clinical testing. Allele origin: germline.

NM_000535.7(PMS2):c.93G>A (p.Val31=)

Gene: PMS2 (PMS1 homolog 2, mismatch repair system component; minus strand). Cytogenetic location: 7p22.1.
Variant type: single nucleotide variant.
Coding change: c.93G>A on transcript NM_000535.7 (MANE Select); coding-DNA position 93, G replaced by A.
Protein change: p.Val31=; no amino-acid change (valine 31 retained).
Molecular consequence: synonymous variant. On other transcripts: 5 prime UTR variant (38), non-coding transcript variant (1), intron variant (7).
Genome position (GRCh38, 1-based): chr7:6,005,962, C>T on the plus strand (G>A on the coding strand, the complement: PMS2 is on the minus strand). VCF-style: chr7-6005962-C-T. GRCh37 (hg19) VCF-style: chr7-6045593-C-T.
Other names: c.-313G>A (NM_001018040.1, NM_001322003.2, NM_001322005.2 and 11 more transcripts); c.93G>A, p.Val31= (NM_001322006.2, NM_001322014.2, NM_001406868.1 and 10 more transcripts); c.-123G>A (NM_001322007.2, NM_001406876.1, NM_001406883.1 and 4 more transcripts); c.-792G>A (NM_001322011.2, NM_001322012.2); c.-392G>A (NM_001322015.2, NM_001406875.1, NM_001406877.1 and 2 more transcripts); c.279G>A, p.Val93= (NM_001406866.1); c.-339G>A (NM_001406880.1); c.-260G>A (NM_001406888.1, NM_001406889.1, NM_001406892.1 and 5 more transcripts); and 7 more.
Identifiers: ClinVar variation 2146701 (VCV002146701.5), dbSNP rs2128845564, ClinGen allele CA453650283.